The following is an entry in ClinVar:

NM_004974.4(KCNA2):c.189G>T (p.Lys63Asn)

Gene: KCNA2 (potassium voltage-gated channel subfamily A member 2; minus strand). Cytogenetic location: 1p13.3.
Variant type: single nucleotide variant.
Coding change: c.189G>T on transcript NM_004974.4 (MANE Select); coding-DNA position 189, G replaced by T.
Protein change: p.Lys63Asn; replaces lysine 63 with asparagine.
Molecular consequence: missense variant.
Genome position (GRCh38, 1-based): chr1:110,604,594, C>A on the plus strand (G>T on the coding strand, the complement: KCNA2 is on the minus strand). VCF-style: chr1-110604594-C-A. GRCh37 (hg19) VCF-style: chr1-111147216-C-A.
Other names: c.189G>T, p.Lys63Asn (NM_001204269.2); short protein forms K63N.
Identifiers: ClinVar variation 2110855 (VCV002110855.4), dbSNP rs2524623147, ClinGen allele CA341606472.

ClinVar aggregate classification (germline): Uncertain significance (1 of 4 stars; one submission).

Conditions:
Developmental and epileptic encephalopathy, 32 (DEE32). Also called: Epileptic encephalopathy, early infantile, 32. Identifiers: Orphanet 442835, MedGen C4225350, MONDO:0014607, OMIM 616366.

Submission:

Labcorp Genetics (formerly Invitae), Labcorp
Classification: Uncertain significance for Developmental and epileptic encephalopathy, 32. Last evaluated: 2022-03-13. Review status: criteria provided, single submitter. Criteria: Invitae Variant Classification Sherloc (09022015). Collection method: clinical testing. Allele origin: germline.
Comment: This sequence change replaces lysine, which is basic and polar, with asparagine, which is neutral and polar, at codon 63 of the KCNA2 protein (p.Lys63Asn). In summary, the available evidence is currently insufficient to determine the role of this variant in disease. Therefore, it has been classified as a Variant of Uncertain Significance. Advanced modeling of protein sequence and biophysical properties (such as structural, functional, and spatial information, amino acid conservation, physicochemical variation, residue mobility, and thermodynamic stability) performed at Invitae indicates that this missense variant is not expected to disrupt KCNA2 protein function. This variant has not been reported in the literature in individuals affected with KCNA2-related conditions. This variant is not present in population databases (gnomAD no frequency).